The following is an entry in ClinVar:

ClinVar aggregate classification (germline): Uncertain significance. Review status: criteria provided, multiple submitters, no conflicts (2 of 4 stars). 2 submissions from 2 submitters: Uncertain significance (2). Last evaluated 2022-08-30.

Allele frequency attached by ClinVar (database versions not stated): ExAC 0.00001; gnomAD exomes 0.00001; TOPMed 0.00001; gnomAD 0.00002.
gnomAD v4.1: 9 of 1,565,180 alleles (0.00058%); highest among the groups gnomAD compares: Admixed American, 0.016%; no homozygotes.

Submissions (2):

Ambry Genetics
Classification: Uncertain significance. Last evaluated: 2022-08-30. Review status: criteria provided, single submitter. Criteria: Ambry Variant Classification Scheme 2023. Collection method: clinical testing. Allele origin: germline.

Labcorp Genetics (formerly Invitae), Labcorp
Classification: Uncertain significance. Last evaluated: 2022-05-12. Review status: criteria provided, single submitter. Criteria: Invitae Variant Classification Sherloc (09022015). Collection method: clinical testing. Allele origin: germline.
Comment: In summary, the available evidence is currently insufficient to determine the role of this variant in disease. Therefore, it has been classified as a Variant of Uncertain Significance. Algorithms developed to predict the effect of missense changes on protein structure and function (SIFT, PolyPhen-2, Align-GVGD) all suggest that this variant is likely to be tolerated. This variant has not been reported in the literature in individuals affected with PIGC-related conditions. This variant is present in population databases (rs777363797, gnomAD 0.02%). This sequence change replaces lysine, which is basic and polar, with glutamine, which is neutral and polar, at codon 289 of the PIGC protein (p.Lys289Gln).

NM_153747.2(PIGC):c.865A>C (p.Lys289Gln)

Genes: C1orf105 (chromosome 1 open reading frame 105; plus strand), PIGC (phosphatidylinositol glycan anchor biosynthesis class C; minus strand). Cytogenetic location: 1q24.3.
Variant type: single nucleotide variant.
Coding change: c.865A>C on transcript NM_153747.2 (MANE Select); coding-DNA position 865, A replaced by C.
Protein change: p.Lys289Gln; replaces lysine 289 with glutamine.
Molecular consequence: missense variant. On other transcripts: intron variant (1).
Genome position (GRCh38, 1-based): chr1:172,441,758, T>G on the plus strand (A>C on the coding strand, the complement: PIGC is on the minus strand). VCF-style: chr1-172441758-T-G. GRCh37 (hg19) VCF-style: chr1-172410898-T-G.
Other names: c.865A>C, p.Lys289Gln (NM_002642.4); c.22-3315T>G (NM_139240.4); short protein forms K289Q.
Identifiers: ClinVar variation 2357809 (VCV002357809.8), dbSNP rs777363797, ClinGen allele CA1245906.